The following is an entry in ClinVar:

NM_203314.3(BDH1):c.-10C>T

Gene: BDH1 (3-hydroxybutyrate dehydrogenase 1). Cytogenetic location: 3q29.
Variant type: single nucleotide variant.
Coding change: c.-10C>T on transcript NM_203314.3 (MANE Select); 10 bases upstream of the start codon, C replaced by T.
Molecular consequence: 5 prime UTR variant.
Genome position (GRCh38, 1-based): chr3:197,546,453, G>A on the plus strand (C>T on the coding strand, the complement: BDH1 is on the minus strand). VCF-style: chr3-197546453-G-A. GRCh37 (hg19) VCF-style: chr3-197273324-G-A.
Other names: c.-10C>T (NM_004051.5, NM_203315.3).
Identifiers: ClinVar variation 3040435 (VCV003040435.2), dbSNP rs114807550, ClinGen allele CA2786339.

ClinVar aggregate classification (germline): Likely benign (0 of 4 stars; one submission).

Conditions:
BDH1-related disorder. Also called: BDH1-related condition.

Allele frequency attached by ClinVar (database versions not stated): ESP Exome Variant Server 0.00031; 1000 Genomes Project 0.00060; 1000 Genomes Project 30x 0.00062.
gnomAD v4.1: 126 of 1,613,942 alleles (0.0078%); highest among the groups gnomAD compares: African/African-American, 0.14%; no homozygotes.

Submission:

PreventionGenetics, part of Exact Sciences
Classification: Likely benign for BDH1-related condition. Last evaluated: 2019-09-18. Review status: no assertion criteria provided. Collection method: clinical testing. Allele origin: germline.
Comment: This variant is classified as likely benign based on ACMG/AMP sequence variant interpretation guidelines (Richards et al. 2015 PMID: 25741868, with internal and published modifications).